The following is an entry in ClinVar:

ClinVar aggregate classification (germline): Uncertain significance (1 of 4 stars; one submission).

Conditions:
Familial adenomatous polyposis 1 (FAP1). Also called: POLYPOSIS, ADENOMATOUS INTESTINAL; FAMILIAL ADENOMATOUS POLYPOSIS 1, ATTENUATED. Identifiers: MedGen C2713442, MONDO:0021056, OMIM 175100. Disease mechanism: loss of function.

Submission:

Labcorp Genetics (formerly Invitae), Labcorp
Classification: Uncertain significance for Familial adenomatous polyposis 1. Last evaluated: 2020-03-14. Review status: criteria provided, single submitter. Criteria: Invitae Variant Classification Sherloc (09022015). Collection method: clinical testing. Allele origin: germline.
Comment: In summary, the available evidence is currently insufficient to determine the role of this variant in disease. Therefore, it has been classified as a Variant of Uncertain Significance. Algorithms developed to predict the effect of missense changes on protein structure and function are either unavailable or do not agree on the potential impact of this missense change (SIFT: Not Available; PolyPhen-2: "Probably Damaging"; Align-GVGD: Not Available). This variant has not been reported in the literature in individuals with APC-related conditions. This variant is not present in population databases (ExAC no frequency). This sequence change replaces isoleucine with lysine at codon 390 of the APC protein (p.Ile390Lys). The isoleucine residue is highly conserved and there is a moderate physicochemical difference between isoleucine and lysine.

NM_000038.6(APC):c.1169_1170delinsAG (p.Ile390Lys)

Gene: APC (APC regulator of Wnt signaling pathway; plus strand). Cytogenetic location: 5q22.2.
Variant type: Indel.
Coding change: c.1169_1170delinsAG on transcript NM_000038.6 (MANE Select); coding-DNA positions 1169 to 1170, TC replaced by AG.
Protein change: p.Ile390Lys; replaces isoleucine 390 with lysine.
Molecular consequence: missense variant. On other transcripts: intron variant (4).
Genome position (GRCh38, 1-based): chr5:112,819,201-112,819,202, TC replaced by AG. VCF-style: chr5-112819201-TC-AG. GRCh37 (hg19) VCF-style: chr5-112154898-TC-AG.
Other names: c.1169_1170delinsAG, p.Ile390Lys (NM_001127510.3, NM_001354895.2, NM_001354896.2); c.1115_1116delinsAG, p.Ile372Lys (NM_001127511.3); c.1199_1200delinsAG, p.Ile400Lys (NM_001354897.2); c.1094_1095delinsAG, p.Ile365Lys (NM_001354898.2); c.1085_1086delinsAG, p.Ile362Lys (NM_001354899.2); c.992_993delinsAG, p.Ile331Lys (NM_001354900.2, NM_001354901.2); c.320_321delinsAG, p.Ile107Lys (NM_001354906.2); c.964-68_964-67delinsAG (NM_001354902.2); and 3 more; short protein forms I107K, I331K, I362K, I365K, I372K, I390K, I400K.
Identifiers: ClinVar variation 1020126 (VCV001020126.8), dbSNP rs1762848133, ClinGen allele CA1573492521.